The following is an entry in ClinVar:

ClinVar aggregate classification (germline): Uncertain significance. Review status: criteria provided, multiple submitters, no conflicts (2 of 4 stars). 2 submissions from 2 submitters: Uncertain significance (2). Last evaluated 2024-05-08.

Conditions:
Familial adenomatous polyposis 1 (FAP1). Also called: FAMILIAL ADENOMATOUS POLYPOSIS 1, ATTENUATED; POLYPOSIS, ADENOMATOUS INTESTINAL. Identifiers: MedGen C2713442, MONDO:0021056, OMIM 175100. Disease mechanism: loss of function.
Hereditary cancer-predisposing syndrome. Also called: Tumor predisposition; Hereditary neoplastic syndrome; Hereditary Cancer Syndrome; Neoplastic Syndromes, Hereditary. Identifiers: Orphanet 140162, MedGen C0027672, MeSH D009386, MONDO:0015356.

Submissions (2):

Labcorp Genetics (formerly Invitae), Labcorp
Classification: Uncertain significance for Familial adenomatous polyposis 1. Last evaluated: 2024-05-08. Review status: criteria provided, single submitter. Criteria: Invitae Variant Classification Sherloc (09022015). Collection method: clinical testing. Allele origin: germline.
Comment: This sequence change replaces arginine, which is basic and polar, with glycine, which is neutral and non-polar, at codon 1640 of the APC protein (p.Arg1640Gly). This variant is not present in population databases (gnomAD no frequency). This variant has not been reported in the literature in individuals affected with APC-related conditions. ClinVar contains an entry for this variant (Variation ID: 1171429). Advanced modeling of protein sequence and biophysical properties (such as structural, functional, and spatial information, amino acid conservation, physicochemical variation, residue mobility, and thermodynamic stability) performed at Invitae indicates that this missense variant is not expected to disrupt APC protein function with a negative predictive value of 95%. In summary, the available evidence is currently insufficient to determine the role of this variant in disease. Therefore, it has been classified as a Variant of Uncertain Significance.

Color Diagnostics, LLC DBA Color Health
Classification: Uncertain significance for Hereditary cancer-predisposing syndrome. Last evaluated: 2020-05-26. Review status: criteria provided, single submitter. Criteria: ACMG Guidelines, 2015. Collection method: clinical testing. Allele origin: germline.
Comment: This missense variant replaces arginine with glycine at codon 1640 of the APC protein. Computational prediction is inconclusive regarding the impact of this variant on protein structure and function (internally defined REVEL score threshold 0.5 < inconclusive < 0.7, PMID: 27666373). To our knowledge, functional studies have not been reported for this variant. This variant has not been reported in individuals affected with hereditary cancer in the literature. This variant has not been identified in the general population by the Genome Aggregation Database (gnomAD). The available evidence is insufficient to determine the role of this variant in disease conclusively. Therefore, this variant is classified as a Variant of Uncertain Significance.

NM_000038.6(APC):c.4918C>G (p.Arg1640Gly)

Gene: APC (APC regulator of Wnt signaling pathway; plus strand). Cytogenetic location: 5q22.2.
Variant type: single nucleotide variant.
Coding change: c.4918C>G on transcript NM_000038.6 (MANE Select); coding-DNA position 4918, C replaced by G.
Protein change: p.Arg1640Gly; replaces arginine 1640 with glycine.
Molecular consequence: missense variant.
Genome position (GRCh38, 1-based): chr5:112,840,512, C>G. VCF-style: chr5-112840512-C-G. GRCh37 (hg19) VCF-style: chr5-112176209-C-G.
Other names: c.4918C>G, p.Arg1640Gly (NM_001127510.3, NM_001354895.2); c.4864C>G, p.Arg1622Gly (NM_001127511.3); c.4972C>G, p.Arg1658Gly (NM_001354896.2); c.4948C>G, p.Arg1650Gly (NM_001354897.2); c.4843C>G, p.Arg1615Gly (NM_001354898.2); c.4834C>G, p.Arg1612Gly (NM_001354899.2); c.4795C>G, p.Arg1599Gly (NM_001354900.2); c.4741C>G, p.Arg1581Gly (NM_001354901.2); and 5 more; short protein forms R1357G, R1480G, R1514G, R1539G, R1549G, R1581G, R1599G, R1612G.
Identifiers: ClinVar variation 1171429 (VCV001171429.5), dbSNP rs373440614, ClinGen allele CA16032106.
Genomic context (GRCh38, chr5:112,840,512, plus strand): 5'-TCACAAAACAGGTTGCAACCCCAAAAGCATGTTAGTTTTACACCGGGGGATGATATGCCA[C>G]GGGTGTATTGTGTTGAAGGGACACCTATAAACTTTTCCACAGCTACATCTCTAAGTGATC-3'
Protein context (NP_000029.2, residues 1630-1650): VSFTPGDDMP[Arg1640Gly]VYCVEGTPIN